The following is an entry in ClinVar:

ClinVar aggregate classification (germline): Pathogenic (1 of 4 stars; one submission).

Conditions:
Inborn genetic diseases. Identifiers: MedGen C0950123, MeSH D030342.

Submission:

Ambry Genetics
Classification: Pathogenic for Inborn genetic diseases. Last evaluated: 2026-03-11. Review status: criteria provided, single submitter. Criteria: Ambry Variant Classification Scheme 2023. Collection method: clinical testing. Allele origin: germline.
Comment: The c.244dupA (p.I82Nfs*6) alteration, located in exon 2 (coding exon 1) of the GRIN2B gene, consists of a duplication of A at position 244, causing a translational frameshift with a predicted alternate stop codon after 6 amino acids. This variant is expected to result in loss of function by premature protein truncation or nonsense-mediated mRNA decay. This variant was not reported in population-based cohorts in the Genome Aggregation Database (gnomAD). Based on the available evidence, this alteration is classified as pathogenic.

NM_000834.5(GRIN2B):c.244dup (p.Ile82fs)

Gene: GRIN2B (glutamate ionotropic receptor NMDA type subunit 2B; minus strand). Cytogenetic location: 12p13.1.
Variant type: Duplication.
Coding change: c.244dup on transcript NM_000834.5 (MANE Select); coding-DNA position 244, one base duplicated (A; older notation c.244dupA).
Protein change: p.Ile82fs; shifts the reading frame from isoleucine 82.
Molecular consequence: frameshift variant.
Genome position (GRCh38, 1-based): chr12:13,865,965, T duplicated on the plus strand (A on the coding strand, the reverse complement: GRIN2B is on the minus strand). VCF-style (leftmost placement, unchanged base first): chr12-13865964-A-AT. GRCh37 (hg19) VCF-style: chr12-14018898-A-AT.
Other names: c.244dup, p.Ile82fs (NM_001413992.1, NM_001413993.1, NM_001413994.1 and 1 more transcripts); short protein forms I82fs.
Identifiers: ClinVar variation 4840518 (VCV004840518.1).